The following is an entry in ClinVar:

ClinVar aggregate classification (germline): Benign. Review status: criteria provided, multiple submitters, no conflicts (2 of 4 stars). 2 submissions from 2 submitters: Benign (2). Last evaluated 2020-10-28.

Allele frequency attached by ClinVar (database versions not stated): gnomAD exomes 0.00212 and 0.00436; ExAC 0.00382; gnomAD 0.02223 and 0.02391; 1000 Genomes Project 0.02436; TOPMed 0.02502; 1000 Genomes Project 30x 0.02577.
gnomAD v4.1: 6,494 of 1,550,550 alleles (0.42%); highest among the groups gnomAD compares: African/African-American, 7.7%; 213 homozygotes.

Submissions (7):

GeneDx
Classification: Benign. Last evaluated: 2020-10-28. Review status: criteria provided, single submitter. Criteria: GeneDx Variant Classification Process June 2021. Collection method: clinical testing. Allele origin: germline. Affected: yes.
Comment: This variant is associated with the following publications: (PMID: 30924900)

Breakthrough Genomics
Classification: Benign. Review status: criteria provided, single submitter. Criteria: ACMG Guidelines, 2015. Collection method: not provided. Allele origin: germline. Inheritance: Unknown mechanism. Affected: yes.

Dr. Peter K. Rogan Lab, Western University
No classification provided (evidence only). Condition: Uterine corpus endometrial carcinoma. Review status: no classification provided. Collection method: in vitro. Allele origin: not applicable. Functional consequence: retained intron. Not counted in ClinVar's aggregate classification.

Dr. Peter K. Rogan Lab, Western University
No classification provided (evidence only). Condition: Uterine corpus endometrial carcinoma. Review status: no classification provided. Collection method: in vitro. Allele origin: not applicable. Functional consequence: skipped exon, retained intron. Not counted in ClinVar's aggregate classification.

Dr. Peter K. Rogan Lab, Western University
No classification provided (evidence only). Condition: Cervical cancer. Review status: no classification provided. Collection method: in vitro. Allele origin: not applicable. Functional consequence: retained intron. Not counted in ClinVar's aggregate classification.

Dr. Peter K. Rogan Lab, Western University
No classification provided (evidence only). Condition: Hepatocellular carcinoma. Review status: no classification provided. Collection method: in vitro. Allele origin: not applicable. Functional consequence: skipped exon, retained intron. Not counted in ClinVar's aggregate classification.

Dr. Peter K. Rogan Lab, Western University
No classification provided (evidence only). Condition: Malignant tumor of esophagus. Review status: no classification provided. Collection method: in vitro. Allele origin: not applicable. Functional consequence: skipped exon, retained intron. Not counted in ClinVar's aggregate classification.

NM_138621.5(BCL2L11):c.499-2716A>G

Gene: BCL2L11 (BCL2 like 11; plus strand). Cytogenetic location: 2q13.
Variant type: single nucleotide variant.
Coding change: c.499-2716A>G on transcript NM_138621.5 (MANE Select); 2716 bases into the intron before coding-DNA position 499, A replaced by G.
Molecular consequence: intron variant. On other transcripts: splice acceptor variant (2).
Genome position (GRCh38, 1-based): chr2:111,161,417, A>G. VCF-style: chr2-111161417-A-G. GRCh37 (hg19) VCF-style: chr2-111918994-A-G.
Other names: NC_000002.11:g.111918994A>G; c.499-2A>G (NM_001204108.1); c.*168-2716A>G (NM_001204107.1); c.*124-2716A>G (NM_138624.4); c.*114-2716A>G (NM_138622.4, NM_138623.4, NM_207003.3); c.*97-2716A>G (NM_001204109.2, NM_001204112.2); c.395-2716A>G (NM_138626.4); c.319-2716A>G (NM_006538.5); and 5 more.
Identifiers: ClinVar variation 1242068 (VCV001242068.4), dbSNP rs76245002, ClinGen allele CA1829485.
Genomic context (GRCh38, chr2:111,161,417, plus strand): 5'-CTGTCTTTTTTATATTACCCAGTTTGGGAGTGGCAGAACTTAAATGCACTTTTGATTCAC[A>G]GATGCCTCTTCCACCTGATTAAGAACCACTGTAGCAGACGCAGACTTATTGGACACTAGG-3'